The following is an entry in ClinVar:

ClinVar aggregate classification (germline): Likely benign (1 of 4 stars; one submission).

Submission:

Laboratory for Molecular Medicine, Mass General Brigham Personalized Medicine
Classification: Likely benign. Last evaluated: 2016-06-24. Review status: criteria provided, single submitter. Criteria: LMM Criteria. Collection method: clinical testing. Allele origin: germline. Observed: 1 variant allele.
Comment: p.Pro22639Pro in exon 275 of TTN: This variant is not expected to have clinical significance because it does not alter an amino acid residue and is not located within the splice consensus sequence.

NM_001267550.2(TTN):c.75621A>C (p.Pro25207=)

Genes: TTN (titin; minus strand), TTN-AS1 (TTN antisense RNA 1; plus strand). Cytogenetic location: 2q31.2.
Variant type: single nucleotide variant.
Coding change: c.75621A>C on transcript NM_001267550.2 (MANE Select); coding-DNA position 75621, A replaced by C.
Protein change: p.Pro25207=; no amino-acid change (proline 25207 retained).
Molecular consequence: synonymous variant.
Genome position (GRCh38, 1-based): chr2:178,570,511, T>G on the plus strand (A>C on the coding strand, the complement: TTN is on the minus strand). VCF-style: chr2-178570511-T-G. GRCh37 (hg19) VCF-style: chr2-179435238-T-G.
Other names: c.67917A>C, p.Pro22639= (NM_133378.4); c.70698A>C, p.Pro23566= (NM_001256850.1); c.48426A>C, p.Pro16142= (NM_003319.4); c.48801A>C, p.Pro16267= (NM_133432.3); c.49002A>C, p.Pro16334= (NM_133437.4).
Identifiers: ClinVar variation 505154 (VCV000505154.5), dbSNP rs1553603053, ClinGen allele CA430254852.
Genomic context (GRCh38, chr2:178,570,511, plus strand): 5'-TTTCCAAGCTAGTGTGCATTTTTCTGCTGTAACTCCTGAGATAACAACAGGTCCTTCAGG[T>G]GGCCCTGGTCTGTCAAGAACCTTGACATTCACAGTAACTGATCTTTCTCCTGCAACATTT-3'
Protein context (NP_001254479.2, residues 25197-25217): VNVKVLDRPG[Pro25207=]PEGPVVISGV